The following is an entry in ClinVar:

NM_018116.4(MSTO1):c.1260T>C (p.Gly420=)

Gene: MSTO1 (misato mitochondrial distribution and morphology regulator 1; plus strand). Cytogenetic location: 1q22.
Variant type: single nucleotide variant.
Coding change: c.1260T>C on transcript NM_018116.4 (MANE Select); coding-DNA position 1260, T replaced by C.
Protein change: p.Gly420=; no amino-acid change (glycine 420 retained).
Molecular consequence: synonymous variant. On other transcripts: non-coding transcript variant (6).
Genome position (GRCh38, 1-based): chr1:155,613,210, T>C. VCF-style: chr1-155613210-T-C. GRCh37 (hg19) VCF-style: chr1-155583001-T-C.
Other names: p.Gly420=; c.726T>C, p.Gly242= (NM_001350788.1, NM_001350786.1, NM_001350780.1 and 3 more transcripts); c.717T>C, p.Gly239= (NM_001350789.1, NM_001350785.1, NM_001350787.1 and 1 more transcripts); c.1260T>C, p.Gly420= (NM_001256532.1, NM_001256533.1, NM_001350772.1 and 3 more transcripts); c.1095T>C, p.Gly365= (NM_001350776.1); c.729T>C, p.Gly243= (NM_001350777.1, NM_001350778.1, NM_001350779.1).
Identifiers: ClinVar variation 4683514 (VCV004683514.1).

ClinVar aggregate classification (germline): Likely benign (1 of 4 stars; one submission).

gnomAD v4.1: 2 of 1,613,814 alleles (0.00012%); highest among the groups gnomAD compares: African/African-American, 0.0027%; no homozygotes.

Submission:

Mayo Clinic Laboratories, Mayo Clinic
Classification: Likely benign. Last evaluated: 2025-06-10. Review status: criteria provided, single submitter. Criteria: ACMG Guidelines, 2015. Collection method: clinical testing. Allele origin: germline. Observed: 1 variant allele.
Comment: BP4, BP7